The following is an entry in ClinVar:

NM_000038.6(APC):c.171T>C (p.Asp57=)

Gene: APC (APC regulator of Wnt signaling pathway; plus strand). Cytogenetic location: 5q22.2.
Variant type: single nucleotide variant.
Coding change: c.171T>C on transcript NM_000038.6 (MANE Select); coding-DNA position 171, T replaced by C.
Protein change: p.Asp57=; no amino-acid change (aspartic acid 57 retained).
Molecular consequence: synonymous variant. On other transcripts: 5 prime UTR variant (4).
Genome position (GRCh38, 1-based): chr5:112,766,361, T>C. VCF-style: chr5-112766361-T-C. GRCh37 (hg19) VCF-style: chr5-112102058-T-C.
Other names: c.171T>C, p.Asp57= (NM_001127510.3, NM_001354895.2, NM_001354896.2 and 2 more transcripts); c.201T>C, p.Asp67= (NM_001127511.3, NM_001354897.2, NM_001354902.2); c.96T>C, p.Asp32= (NM_001354898.2, NM_001354904.2); c.-7T>C (NM_001354900.2, NM_001354901.2, NM_001354905.2); c.-865T>C (NM_001354906.2).
Identifiers: ClinVar variation 220546 (VCV000220546.22), dbSNP rs770894012, ClinGen allele CA029139.

ClinVar aggregate classification (germline): Benign/Likely benign. Review status: criteria provided, multiple submitters, no conflicts (2 of 4 stars). 7 submissions from 7 submitters: Benign (1); Likely benign (6). Last evaluated 2025-12-17.

Conditions:
Classic or attenuated familial adenomatous polyposis. Identifiers: MedGen CN372698, MONDO:0021057.
Hereditary cancer-predisposing syndrome. Also called: Hereditary neoplastic syndrome; Tumor predisposition; Hereditary Cancer Syndrome; Neoplastic Syndromes, Hereditary. Identifiers: Orphanet 140162, MedGen C0027672, MeSH D009386, MONDO:0015356.
Familial adenomatous polyposis 1 (FAP1). Also called: FAMILIAL ADENOMATOUS POLYPOSIS 1, ATTENUATED; POLYPOSIS, ADENOMATOUS INTESTINAL. Identifiers: MedGen C2713442, MONDO:0021056, OMIM 175100. Disease mechanism: loss of function.

Allele frequency attached by ClinVar (database versions not stated): gnomAD exomes below 0.00001 and 0.00002; TOPMed below 0.00001; ExAC 0.00001.
gnomAD v4.1: 6 of 1,612,072 alleles (0.00037%); highest among the groups gnomAD compares: Admixed American, 0.0083%; no homozygotes.

Submissions (7):

Labcorp Genetics (formerly Invitae), Labcorp
Classification: Likely benign for Familial adenomatous polyposis 1. Last evaluated: 2025-12-17. Review status: criteria provided, single submitter. Criteria: Invitae Variant Classification Sherloc (09022015). Collection method: clinical testing. Allele origin: germline.

Women's Health and Genetics/Laboratory Corporation of America, LabCorp
Classification: Likely benign. Last evaluated: 2025-04-25. Review status: criteria provided, single submitter. Criteria: LabCorp Variant Classification Summary - May 2015. Collection method: clinical testing. Allele origin: germline.

Myriad Genetics, Inc.
Classification: Benign for Familial adenomatous polyposis 1. Last evaluated: 2024-02-22. Review status: criteria provided, single submitter. Criteria: Myriad Autosomal Dominant, Autosomal Recessive and X-Linked Classification Criteria (2023). Collection method: clinical testing. Allele origin: unknown.
Comment: This variant is considered benign. This variant is a silent/synonymous amino acid change and it is not expected to impact splicing.

All of Us Research Program, National Institutes of Health
Classification: Likely benign for Classic or attenuated familial adenomatous polyposis. Last evaluated: 2023-09-17. Review status: criteria provided, single submitter. Criteria: ACMG Guidelines, 2015. Collection method: clinical testing. Allele origin: germline. Inheritance: Autosomal dominant inheritance. Observed: 2 variant alleles, 2 heterozygotes.
Comment: This study involves interpretation of variants in research participants for the purpose of population health screening. Participant phenotype was not available at the time of variant classification. Additional details can be found in publication PMID: 35346344, PMCID: PMC8962531

Ambry Genetics
Classification: Likely benign for Hereditary cancer-predisposing syndrome. Last evaluated: 2017-09-05. Review status: criteria provided, single submitter. Criteria: Ambry Variant Classification Scheme 2023. Collection method: clinical testing. Allele origin: germline.

Color Diagnostics, LLC DBA Color Health
Classification: Likely benign for Hereditary cancer-predisposing syndrome. Last evaluated: 2017-08-10. Review status: criteria provided, single submitter. Criteria: ACMG Guidelines, 2015. Collection method: clinical testing. Allele origin: germline.

GeneDx
Classification: Likely benign. Last evaluated: 2016-08-16. Review status: criteria provided, single submitter. Criteria: GeneDx Variant Classification (06012015). Collection method: clinical testing. Allele origin: germline. Affected: yes.
Comment: This variant is considered likely benign or benign based on one or more of the following criteria: it is a conservative change, it occurs at a poorly conserved position in the protein, it is predicted to be benign by multiple in silico algorithms, and/or has population frequency not consistent with disease.